The following is an entry in ClinVar:

NM_005359.6(SMAD4):c.411A>G (p.Val137=)

Gene: SMAD4 (SMAD family member 4; plus strand). Cytogenetic location: 18q21.2.
Variant type: single nucleotide variant.
Coding change: c.411A>G on transcript NM_005359.6 (MANE Select); coding-DNA position 411, A replaced by G.
Protein change: p.Val137=; no amino-acid change (valine 137 retained).
Molecular consequence: synonymous variant.
Genome position (GRCh38, 1-based): chr18:51,048,847, A>G. VCF-style: chr18-51048847-A-G. GRCh37 (hg19) VCF-style: chr18-48575217-A-G.
Identifiers: ClinVar variation 378624 (VCV000378624.21), dbSNP rs201296880, ClinGen allele CA8965773.

ClinVar aggregate classification (germline): Benign/Likely benign. Review status: criteria provided, multiple submitters, no conflicts (2 of 4 stars). 6 submissions from 6 submitters: Benign (1); Likely benign (5). Last evaluated 2025-10-28.

Conditions:
Juvenile polyposis syndrome (JPS). Identifiers: Orphanet 2929, MedGen C0345893, MONDO:0017380, OMIM 174900.
Hereditary cancer-predisposing syndrome. Also called: Neoplastic Syndromes, Hereditary; Hereditary Cancer Syndrome; Hereditary neoplastic syndrome; Tumor predisposition. Identifiers: Orphanet 140162, MedGen C0027672, MeSH D009386, MONDO:0015356.
Familial thoracic aortic aneurysm and aortic dissection (TAAD). Also called: Thoracic aortic aneurysms and dissections. Identifiers: Orphanet 91387, MedGen C4707243, MONDO:0019625.
Juvenile polyposis/hereditary hemorrhagic telangiectasia syndrome (JPHT). Also called: POLYPOSIS, GENERALIZED JUVENILE, WITH PULMONARY ARTERIOVENOUS MALFORMATION; TELANGIECTASIA, HEREDITARY HEMORRHAGIC, WITH JUVENILE POLYPOSIS COLI; Juvenile Polyposis Syndrome / Hereditary Hemorrhagic Telangiectasia (JPS/HHT); JP/HHT SYNDROME; JUVENILE POLYPOSIS WITH HEREDITARY HEMORRHAGIC TELANGIECTASIA. Identifiers: Orphanet 2929, MedGen C1832942, MONDO:0008278, OMIM 175050.

Allele frequency attached by ClinVar (database versions not stated): gnomAD exomes 0.00001; ExAC 0.00002; gnomAD 0.00003; TOPMed 0.00003; 1000 Genomes Project 30x 0.00016; 1000 Genomes Project 0.00020.
gnomAD v4.1: 13 of 1,613,612 alleles (0.00081%); highest among the groups gnomAD compares: African/African-American, 0.012%; no homozygotes.

Submissions (6):

Labcorp Genetics (formerly Invitae), Labcorp
Classification: Likely benign for Juvenile polyposis syndrome. Last evaluated: 2025-10-28. Review status: criteria provided, single submitter. Criteria: Invitae Variant Classification Sherloc (09022015). Collection method: clinical testing. Allele origin: germline.

Myriad Genetics, Inc.
Classification: Benign for Juvenile polyposis/hereditary hemorrhagic telangiectasia syndrome. Last evaluated: 2025-03-18. Review status: criteria provided, single submitter. Criteria: Myriad Autosomal Dominant, Autosomal Recessive and X-Linked Classification Criteria (2023). Collection method: clinical testing. Allele origin: unknown.
Comment: This variant is considered benign. This variant is a silent/synonymous amino acid change and it is not expected to impact splicing.

All of Us Research Program, National Institutes of Health
Classification: Likely benign for Juvenile polyposis/hereditary hemorrhagic telangiectasia syndrome. Last evaluated: 2024-07-20. Review status: criteria provided, single submitter. Criteria: ACMG Guidelines, 2015. Collection method: clinical testing. Allele origin: germline. Inheritance: Autosomal dominant inheritance. Observed: 4 variant alleles, 4 heterozygotes.
Comment: This study involves interpretation of variants in research participants for the purpose of population health screening. Participant phenotype was not available at the time of variant classification. Additional details can be found in publication PMID: 35346344, PMCID: PMC8962531

Color Diagnostics, LLC DBA Color Health
Classification: Likely benign for Hereditary cancer-predisposing syndrome. Last evaluated: 2019-08-13. Review status: criteria provided, single submitter. Criteria: ACMG Guidelines, 2015. Collection method: clinical testing. Allele origin: germline.

GeneDx
Classification: Likely benign. Last evaluated: 2019-07-25. Review status: criteria provided, single submitter. Criteria: GeneDx Variant Classification Process June 2021. Collection method: clinical testing. Allele origin: germline. Affected: yes.

Ambry Genetics
Classification: Likely benign for Hereditary cancer-predisposing syndrome; Familial thoracic aortic aneurysm and aortic dissection. Last evaluated: 2019-05-06. Review status: criteria provided, single submitter. Criteria: Ambry Variant Classification Scheme 2023. Collection method: clinical testing. Allele origin: germline.